The following is an entry in ClinVar:

ClinVar aggregate classification (germline): Uncertain significance. Review status: criteria provided, multiple submitters, no conflicts (2 of 4 stars). 3 submissions from 3 submitters: Uncertain significance (3). Last evaluated 2025-03-08.

Conditions:
TRIM32-related disorder. Also called: TRIM32-related condition.
Bardet-Biedl syndrome (BBS). Identifiers: Orphanet 110, MedGen C0752166, MONDO:0015229.

Allele frequency attached by ClinVar (database versions not stated): gnomAD exomes below 0.00001; gnomAD 0.00001; TOPMed 0.00001.
gnomAD v4.1: 6 of 1,614,048 alleles (0.00037%); highest among the groups gnomAD compares: Non-Finnish European, 0.00051%; no homozygotes.

Submissions (3):

PreventionGenetics, part of Exact Sciences
Classification: Uncertain significance for TRIM32-related condition. Last evaluated: 2025-03-08. Review status: criteria provided, single submitter. Criteria: ACMG Guidelines, 2015. Collection method: clinical testing. Allele origin: germline.
Comment: The TRIM32 c.899C>T variant is predicted to result in the amino acid substitution p.Thr300Ile. To our knowledge, this variant has not been reported in the literature. This variant is reported in 0.00088% of alleles in individuals of European (Non-Finnish) descent in gnomAD. At this time, the clinical significance of this variant is uncertain due to the absence of conclusive functional and genetic evidence.

Labcorp Genetics (formerly Invitae), Labcorp
Classification: Uncertain significance for Bardet-Biedl syndrome. Last evaluated: 2022-05-19. Review status: criteria provided, single submitter. Criteria: Invitae Variant Classification Sherloc (09022015). Collection method: clinical testing. Allele origin: germline.
Comment: This sequence change replaces threonine, which is neutral and polar, with isoleucine, which is neutral and non-polar, at codon 300 of the TRIM32 protein (p.Thr300Ile). This variant is present in population databases (no rsID available, gnomAD 0.0009%). This variant has not been reported in the literature in individuals affected with TRIM32-related conditions. Algorithms developed to predict the effect of missense changes on protein structure and function (SIFT, PolyPhen-2, Align-GVGD) all suggest that this variant is likely to be tolerated. In summary, the available evidence is currently insufficient to determine the role of this variant in disease. Therefore, it has been classified as a Variant of Uncertain Significance.

Revvity Omics, Revvity
Classification: Uncertain significance. Last evaluated: 2019-05-23. Review status: criteria provided, single submitter. Criteria: ACMG Guidelines, 2015. Collection method: clinical testing. Allele origin: germline.

NM_012210.4(TRIM32):c.899C>T (p.Thr300Ile)

Genes: ASTN2 (astrotactin 2; minus strand), TRIM32 (tripartite motif containing 32; plus strand). Cytogenetic location: 9q33.1.
Variant type: single nucleotide variant.
Coding change: c.899C>T on transcript NM_012210.4 (MANE Select); coding-DNA position 899, C replaced by T.
Protein change: p.Thr300Ile; replaces threonine 300 with isoleucine.
Molecular consequence: missense variant. On other transcripts: intron variant (3).
Genome position (GRCh38, 1-based): chr9:116,698,641, C>T. VCF-style: chr9-116698641-C-T. GRCh37 (hg19) VCF-style: chr9-119460920-C-T.
Other names: c.2653+27130G>A (NM_014010.5); c.2794+27130G>A (NM_001365069.1); c.2806+27130G>A (NM_001365068.1); c.899C>T, p.Thr300Ile (NM_001099679.2, NM_001379048.1, NM_001379049.1 and 1 more transcripts); short protein forms T300I.
Identifiers: ClinVar variation 1430727 (VCV001430727.9), dbSNP rs1010496243, ClinGen allele CA198770152.